The following is an entry in ClinVar:

NM_005431.2(XRCC2):c.266T>C (p.Met89Thr)

Gene: XRCC2 (X-ray repair cross complementing 2; minus strand). Cytogenetic location: 7q36.1.
Variant type: single nucleotide variant.
Coding change: c.266T>C on transcript NM_005431.2 (MANE Select); coding-DNA position 266, T replaced by C.
Protein change: p.Met89Thr; replaces methionine 89 with threonine.
Molecular consequence: missense variant.
Genome position (GRCh38, 1-based): chr7:152,649,219, A>G on the plus strand (T>C on the coding strand, the complement: XRCC2 is on the minus strand). VCF-style: chr7-152649219-A-G. GRCh37 (hg19) VCF-style: chr7-152346304-A-G.
Other names: short protein forms M89T.
Identifiers: ClinVar variation 1794540 (VCV001794540.2), dbSNP rs2485881740, ClinGen allele CA370199070.

ClinVar aggregate classification (germline): Uncertain significance (1 of 4 stars; one submission).

Conditions:
Hereditary cancer-predisposing syndrome. Also called: Tumor predisposition; Hereditary Cancer Syndrome; Neoplastic Syndromes, Hereditary; Hereditary neoplastic syndrome. Identifiers: Orphanet 140162, MedGen C0027672, MeSH D009386, MONDO:0015356.

Allele frequency attached by ClinVar (database versions not stated): gnomAD exomes 0.00001.
gnomAD v4.1: 3 of 1,613,952 alleles (0.00019%); highest among the groups gnomAD compares: Non-Finnish European, 0.00025%; no homozygotes.

Submission:

Ambry Genetics
Classification: Uncertain significance for Hereditary cancer-predisposing syndrome. Last evaluated: 2024-01-14. Review status: criteria provided, single submitter. Criteria: Ambry Variant Classification Scheme 2023. Collection method: clinical testing. Allele origin: germline.
Comment: The p.M89T variant (also known as c.266T>C), located in coding exon 3 of the XRCC2 gene, results from a T to C substitution at nucleotide position 266. The methionine at codon 89 is replaced by threonine, an amino acid with similar properties. This amino acid position is conserved. In addition, this alteration is predicted to be tolerated by in silico analysis. Since supporting evidence is limited at this time, the clinical significance of this alteration remains unclear.